The following is an entry in ClinVar:

NM_001330723.2(SNX27):c.260G>C (p.Gly87Ala)

Gene: SNX27 (sorting nexin 27; plus strand). Cytogenetic location: 1q21.3.
Variant type: single nucleotide variant.
Coding change: c.260G>C on transcript NM_001330723.2 (MANE Select); coding-DNA position 260, G replaced by C.
Protein change: p.Gly87Ala; replaces glycine 87 with alanine.
Molecular consequence: missense variant.
Genome position (GRCh38, 1-based): chr1:151,612,461, G>C. VCF-style: chr1-151612461-G-C. GRCh37 (hg19) VCF-style: chr1-151584937-G-C.
Other names: c.260G>C, p.Gly87Ala (NM_030918.6); short protein forms G87A.
Identifiers: ClinVar variation 943024 (VCV000943024.5), dbSNP rs1384033530, ClinGen allele CA341974574.

ClinVar aggregate classification (germline): Uncertain significance (1 of 4 stars; one submission).

Conditions:
Severe myoclonic epilepsy in infancy (DRVT). Also called: SEVERE MYOCLONIC EPILEPSY OF INFANCY; DEVELOPMENTAL AND EPILEPTIC ENCEPHALOPATHY 6A; Severe Myoclonic Epilepsy in Infancy (SMEI); Dravet syndrome; Epileptic encephalopathy, early infantile, 6 (Dravet syndrome). Identifiers: Orphanet 33069, MedGen C0751122, MONDO:0100135, OMIM 607208.

Allele frequency attached by ClinVar (database versions not stated): gnomAD 0.00002 and 0.00004; TOPMed 0.00003.
gnomAD v4.1: 14 of 1,427,376 alleles (0.00098%); highest among the groups gnomAD compares: East Asian, 0.0084%; no homozygotes.

Submission:

Labcorp Genetics (formerly Invitae), Labcorp
Classification: Uncertain significance for Severe myoclonic epilepsy in infancy. Last evaluated: 2022-08-23. Review status: criteria provided, single submitter. Criteria: Invitae Variant Classification Sherloc (09022015). Collection method: clinical testing. Allele origin: germline.
Comment: This sequence change replaces glycine, which is neutral and non-polar, with alanine, which is neutral and non-polar, at codon 87 of the SNX27 protein (p.Gly87Ala). This variant is present in population databases (no rsID available, gnomAD 0.002%). This variant has not been reported in the literature in individuals affected with SNX27-related conditions. ClinVar contains an entry for this variant (Variation ID: 943024). Algorithms developed to predict the effect of missense changes on protein structure and function are either unavailable or do not agree on the potential impact of this missense change (SIFT: "Deleterious"; PolyPhen-2: "Probably Damaging"; Align-GVGD: "Class C0"). Algorithms developed to predict the effect of sequence changes on RNA splicing suggest that this variant may disrupt the consensus splice site. In summary, the available evidence is currently insufficient to determine the role of this variant in disease. Therefore, it has been classified as a Variant of Uncertain Significance.